The following is an entry in ClinVar:

ClinVar aggregate classification (germline): Pathogenic (1 of 4 stars; one submission).

Conditions:
Nephronophthisis 18 (NPHP18). Identifiers: Orphanet 655, MedGen C3890591, MONDO:0014374, OMIM 615862.

gnomAD v4.1: 8 of 1,577,454 alleles (0.00051%); highest among the groups gnomAD compares: Non-Finnish European, 0.0007%; no homozygotes.

Submission:

Labcorp Genetics (formerly Invitae), Labcorp
Classification: Pathogenic for Nephronophthisis 18. Last evaluated: 2025-01-30. Review status: criteria provided, single submitter. Criteria: Invitae Variant Classification Sherloc (09022015). Collection method: clinical testing. Allele origin: germline.
Comment: This sequence change creates a premature translational stop signal (p.Gln345*) in the CEP83 gene. It is expected to result in an absent or disrupted protein product. Loss-of-function variants in CEP83 are known to be pathogenic (PMID: 23530209, 24882706). This variant is present in population databases (no rsID available, gnomAD 0.0009%). This variant has not been reported in the literature in individuals affected with CEP83-related conditions. Algorithms developed to predict the effect of sequence changes on RNA splicing suggest that this variant may disrupt the consensus splice site. For these reasons, this variant has been classified as Pathogenic.

Literature cited by the submitters: PubMed 23530209; PubMed 24882706.

NM_016122.3(CEP83):c.1033C>T (p.Gln345Ter)

Gene: CEP83 (centrosomal protein 83; minus strand). Cytogenetic location: 12q22.
Variant type: single nucleotide variant.
Coding change: c.1033C>T on transcript NM_016122.3 (MANE Select); coding-DNA position 1033, C replaced by T.
Protein change: p.Gln345Ter; replaces glutamine 345 with a stop codon.
Molecular consequence: nonsense. On other transcripts: non-coding transcript variant (2).
Genome position (GRCh38, 1-based): chr12:94,369,937, G>A on the plus strand (C>T on the coding strand, the complement: CEP83 is on the minus strand). VCF-style: chr12-94369937-G-A. GRCh37 (hg19) VCF-style: chr12-94763713-G-A.
Other names: c.721C>T, p.Gln241Ter (NM_001368040.1, NM_001346458.2, NM_001346459.2 and 2 more transcripts); c.808C>T, p.Gln270Ter (NM_001368041.1); c.496C>T, p.Gln166Ter (NM_001368042.1); c.1033C>T, p.Gln345Ter (NM_001042399.2, NM_001346457.2, NM_001346460.2 and 3 more transcripts); short protein forms Q345*, Q241*, Q166*, Q270*.
Identifiers: ClinVar variation 3668454 (VCV003668454.2).